The following is an entry in ClinVar:

NM_000093.5(COL5A1):c.4348G>C (p.Gly1450Arg)

Gene: COL5A1 (collagen type V alpha 1 chain; plus strand). Cytogenetic location: 9q34.3.
Variant type: single nucleotide variant.
Coding change: c.4348G>C on transcript NM_000093.5 (MANE Select); coding-DNA position 4348, G replaced by C.
Protein change: p.Gly1450Arg; replaces glycine 1450 with arginine.
Molecular consequence: missense variant.
Genome position (GRCh38, 1-based): chr9:134,818,857, G>C. VCF-style: chr9-134818857-G-C. GRCh37 (hg19) VCF-style: chr9-137710703-G-C.
Other names: c.4348G>C, p.Gly1450Arg (NM_001278074.1); short protein forms G1450R.
Identifiers: ClinVar variation 3773867 (VCV003773867.1).
Genomic context (GRCh38, chr9:134,818,857, plus strand): 5'-AGTGGAGGGACGGGGGACCAGCAACTCATGCAGAGCGTCTCTGTGTTTCAGGGAGAACAA[G>C]GTCTCCCAGGATCCCCAGGCCCGGACGGTCCCCCCGGCCCCATGGTGAGTCACATTCCTC-3'
Protein context (NP_000084.3, residues 1440-1460): RGIPGPVGEQ[Gly1450Arg]LPGSPGPDGP

ClinVar aggregate classification (germline): Likely pathogenic (1 of 4 stars; one submission).

Conditions:
COL5A1-related disorders.

Submission:

Rady Children's Institute for Genomic Medicine, Rady Children's Hospital San Diego
Classification: Likely pathogenic for COL5A1-related disorders. Last evaluated: 2024-01-05. Review status: criteria provided, single submitter. Criteria: ACMG Guidelines, 2015. Collection method: clinical testing. Allele origin: germline. Affected: yes.
Comment: The c.4348G>C (p.Gly1450Arg) variant affects a highly conserved amino acid and is predicted by multiple in silico tools to have a deleterious effect on protein function. This affects a glycine residue in the Gly-X-Y repetitive motif of the triple-helical region of the COL5A1 gene, where the majority of pathogenic missense variants occur. This variant has not been previously reported or functionally characterized in the literature to our knowledge. The c.4348G>C (p.Gly1450Arg) variant is absent from the gnomAD population database and thus is presumed to be rare. Analysis of the parental samples was negative for the variant, indicating this variant likely occurred as a de novo event. Based on the available evidence, c.4348G>C (p.Gly1450Arg) is classified as Likely Pathogenic.